The following is an entry in ClinVar:

ClinVar aggregate classification (germline): Uncertain significance (1 of 4 stars; one submission).

Conditions:
Dyskeratosis congenita. Identifiers: Orphanet 1775, MedGen C0265965, MONDO:0015780.

gnomAD v4.1: 1 of 1,614,172 alleles (0.000062%); no homozygotes.

Submission:

Labcorp Genetics (formerly Invitae), Labcorp
Classification: Uncertain significance for Dyskeratosis congenita. Last evaluated: 2025-06-29. Review status: criteria provided, single submitter. Criteria: Invitae Variant Classification Sherloc (09022015). Collection method: clinical testing. Allele origin: germline.
Comment: This sequence change replaces glutamine, which is neutral and polar, with arginine, which is basic and polar, at codon 437 of the CTC1 protein (p.Gln437Arg). This variant is not present in population databases (gnomAD no frequency). This variant has not been reported in the literature in individuals affected with CTC1-related conditions. Invitae Evidence Modeling of protein sequence and biophysical properties (such as structural, functional, and spatial information, amino acid conservation, physicochemical variation, residue mobility, and thermodynamic stability) indicates that this missense variant is not expected to disrupt CTC1 protein function with a negative predictive value of 80%. In summary, the available evidence is currently insufficient to determine the role of this variant in disease. Therefore, it has been classified as a Variant of Uncertain Significance.

NM_025099.6(CTC1):c.1310A>G (p.Gln437Arg)

Gene: CTC1 (CST telomere replication complex component 1; minus strand). Cytogenetic location: 17p13.1.
Variant type: single nucleotide variant.
Coding change: c.1310A>G on transcript NM_025099.6 (MANE Select); coding-DNA position 1310, A replaced by G.
Protein change: p.Gln437Arg; replaces glutamine 437 with arginine.
Molecular consequence: missense variant. On other transcripts: non-coding transcript variant (1).
Genome position (GRCh38, 1-based): chr17:8,235,182, T>C on the plus strand (A>G on the coding strand, the complement: CTC1 is on the minus strand). VCF-style: chr17-8235182-T-C. GRCh37 (hg19) VCF-style: chr17-8138500-T-C.
Other names: c.1310A>G, p.Gln437Arg (NM_001411067.1); short protein forms Q437R.
Identifiers: ClinVar variation 4806016 (VCV004806016.1).